The following is an entry in ClinVar:

ClinVar aggregate classification (germline): Pathogenic (1 of 4 stars; one submission).

Allele frequency attached by ClinVar (database versions not stated): gnomAD exomes below 0.00001; ExAC 0.00001.
gnomAD v4.1: 1 of 1,609,198 alleles (0.000062%); highest among the groups gnomAD compares: Admixed American, 0.0017%; no homozygotes.

Submission:

Labcorp Genetics (formerly Invitae), Labcorp
Classification: Pathogenic. Last evaluated: 2023-06-17. Review status: criteria provided, single submitter. Criteria: Invitae Variant Classification Sherloc (09022015). Collection method: clinical testing. Allele origin: germline.
Comment: This variant is present in population databases (rs752625731, gnomAD 0.003%). This sequence change creates a premature translational stop signal (p.Gln559*) in the TMPRSS15 gene. It is expected to result in an absent or disrupted protein product. Loss-of-function variants in TMPRSS15 are known to be pathogenic (PMID: 11719902). This variant has not been reported in the literature in individuals affected with TMPRSS15-related conditions. For these reasons, this variant has been classified as Pathogenic.

Literature cited by the submitters: PubMed 11719902.

NM_002772.3(TMPRSS15):c.1675C>T (p.Gln559Ter)

Gene: TMPRSS15 (transmembrane serine protease 15; minus strand). Cytogenetic location: 21q21.1.
Variant type: single nucleotide variant.
Coding change: c.1675C>T on transcript NM_002772.3 (MANE Select); coding-DNA position 1675, C replaced by T.
Protein change: p.Gln559Ter; replaces glutamine 559 with a stop codon.
Molecular consequence: nonsense.
Genome position (GRCh38, 1-based): chr21:18,329,274, G>A on the plus strand (C>T on the coding strand, the complement: TMPRSS15 is on the minus strand). VCF-style: chr21-18329274-G-A. GRCh37 (hg19) VCF-style: chr21-19701591-G-A.
Other names: short protein forms Q559*.
Identifiers: ClinVar variation 2707446 (VCV002707446.3), dbSNP rs752625731, ClinGen allele CA9984342.